The following is an entry in ClinVar:

NM_006206.6(PDGFRA):c.617A>G (p.Tyr206Cys)

Gene: PDGFRA (platelet derived growth factor receptor alpha; plus strand). Cytogenetic location: 4q12.
Variant type: single nucleotide variant.
Coding change: c.617A>G on transcript NM_006206.6 (MANE Select); coding-DNA position 617, A replaced by G.
Protein change: p.Tyr206Cys; replaces tyrosine 206 with cysteine.
Molecular consequence: missense variant.
Genome position (GRCh38, 1-based): chr4:54,263,916, A>G. VCF-style: chr4-54263916-A-G. GRCh37 (hg19) VCF-style: chr4-55130083-A-G.
Other names: c.617A>G, p.Tyr206Cys (NM_001347827.2, NM_001347829.2); c.692A>G, p.Tyr231Cys (NM_001347828.2); c.656A>G, p.Tyr219Cys (NM_001347830.2); short protein forms Y231C, Y206C, Y219C.
Identifiers: ClinVar variation 2099247 (VCV002099247.4), dbSNP rs1436372771, ClinGen allele CA356890210.

ClinVar aggregate classification (germline): Uncertain significance (1 of 4 stars; one submission).

Conditions:
Gastrointestinal stromal tumor. Also called: Gastrointestinal stroma tumor; Gastrointestinal stromal tumor, somatic. Identifiers: Orphanet 44890, MedGen C0238198, MeSH D046152, MONDO:0011719, OMIM 606764, HP:0100723.

Submission:

Labcorp Genetics (formerly Invitae), Labcorp
Classification: Uncertain significance for Gastrointestinal stromal tumor. Last evaluated: 2022-02-19. Review status: criteria provided, single submitter. Criteria: Invitae Variant Classification Sherloc (09022015). Collection method: clinical testing. Allele origin: germline.
Comment: This sequence change replaces tyrosine, which is neutral and polar, with cysteine, which is neutral and slightly polar, at codon 206 of the PDGFRA protein (p.Tyr206Cys). This variant is not present in population databases (gnomAD no frequency). This variant has not been reported in the literature in individuals affected with PDGFRA-related conditions. Algorithms developed to predict the effect of missense changes on protein structure and function are either unavailable or do not agree on the potential impact of this missense change (SIFT: "Tolerated"; PolyPhen-2: "Possibly Damaging"; Align-GVGD: "Class C0"). In summary, the available evidence is currently insufficient to determine the role of this variant in disease. Therefore, it has been classified as a Variant of Uncertain Significance.